The following is an entry in ClinVar:

ClinVar aggregate classification (germline): Uncertain significance (1 of 4 stars; one submission).

Conditions:
SEMA3C-related disorder. Also called: SEMA3C-related condition.

gnomAD v4.1: 9 of 1,613,308 alleles (0.00056%); highest among the groups gnomAD compares: African/African-American, 0.0067%; no homozygotes.

Submission:

PreventionGenetics, part of Exact Sciences
Classification: Uncertain significance for SEMA3C-related condition. Last evaluated: 2026-09-11. Review status: criteria provided, single submitter. Criteria: ACMG Guidelines, 2015. Collection method: clinical testing. Allele origin: germline.
Comment: The SEMA3C c.76G>C variant is predicted to result in the amino acid substitution p.Val26Leu. To our knowledge, this variant has not been reported in the literature. This variant is reported in 0.0062% of alleles in individuals of African descent in gnomAD. At this time, the clinical significance of this variant is uncertain due to the absence of conclusive functional and genetic evidence.

NM_006379.5(SEMA3C):c.22G>C (p.Val8Leu)

Gene: SEMA3C (semaphorin 3C; minus strand). Cytogenetic location: 7q21.11.
Variant type: single nucleotide variant.
Coding change: c.22G>C on transcript NM_006379.5 (MANE Select); coding-DNA position 22, G replaced by C.
Protein change: p.Val8Leu; replaces valine 8 with leucine.
Molecular consequence: missense variant. On other transcripts: 5 prime UTR variant (1).
Genome position (GRCh38, 1-based): chr7:80,916,760, C>G on the plus strand (G>C on the coding strand, the complement: SEMA3C is on the minus strand). VCF-style: chr7-80916760-C-G. GRCh37 (hg19) VCF-style: chr7-80546076-C-G.
Other names: c.76G>C, p.Val26Leu (NM_001350120.2); c.-241G>C (NM_001350121.2); short protein forms V8L, V26L.
Identifiers: ClinVar variation 4984026 (VCV004984026.1).